The following is an entry in ClinVar:

ClinVar aggregate classification (germline): Uncertain significance. Review status: criteria provided, multiple submitters, no conflicts (2 of 4 stars). 2 submissions from 2 submitters: Uncertain significance (2). Last evaluated 2020-06-26.

Conditions:
Intellectual developmental disorder, autosomal dominant 6, with or without seizures. Also called: GRIN2B-related developmental delay, intellectual disability and autism spectrum disorder; Intellectual disability, autosomal dominant 6. Identifiers: Orphanet 589547, MedGen C3151411, MONDO:0013509, OMIM 613970.
Developmental and epileptic encephalopathy, 27 (DEE27). Also called: Epileptic encephalopathy, early infantile, 27; GRIN2B-Related Neurodevelopmental Disorder. Identifiers: Orphanet 3451, MedGen C4015316, MONDO:0014505, OMIM 616139.

Submissions (2):

New York Genome Center
Classification: Uncertain significance for Developmental and epileptic encephalopathy, 27; Intellectual developmental disorder, autosomal dominant 6, with or without seizures. Last evaluated: 2020-06-26. Review status: criteria provided, single submitter. Criteria: NYGC Assertion Criteria 2020. Collection method: clinical testing. Allele origin: inherited. Observed: 1 heterozygote. Study: CSER-NYCKidSeq.
Comment: The inherited c.1126-3C>T variant identified in the GRIN2B gene is a single nucleotide change which replaces a well conserved Guanine for Adenine at the DNA level (Cytosine for Thymine in the mRNA transcript). This variant is absent from gnomAD(v3.0) suggesting it is not a common benign variant in the populations represented in that database. The Transcript inferred Pathogenicity Score (TraP; v3) for this variant is 0.546, (>99% score-percentile) suggesting it is probably damaging. This variant is reported in ClinVar as a Variant of Uncertain Significance (VarID:451976) and to our current knowledge has not been reported in affected individuals in the literature. Given the lack of compelling evidence for its pathogenicity, the inherited c.1126-3C>T variant identified in the GRIN2B gene is reported here as a Variant of Uncertain Significance.

GeneDx
Classification: Uncertain significance. Last evaluated: 2018-09-04. Review status: criteria provided, single submitter. Criteria: GeneDx Variant Classification (06012015). Collection method: clinical testing. Allele origin: germline. Affected: yes.
Comment: A variant of uncertain significance has been identified in the GRIN2B gene. The c.1126-3 C>T variant has not been published as a pathogenic variant, nor has it been reported as a benign variant to our knowledge. The c.1126-3 C>T variant is not observed in large population cohorts (Lek et al., 2016; 1000 Genomes Consortium et al., 2015; Exome Variant Server). Several in-silico splice prediction models did not predict an affect on splicing. However, in the absence of RNA/functional studies, the actual effect of this sequence change in this individual is unknown. Therefore, based on the currently available information, it is unclear whether this variant is a pathogenic variant or a rare benign variant.

NM_000834.5(GRIN2B):c.1126-3C>T

Gene: GRIN2B (glutamate ionotropic receptor NMDA type subunit 2B; minus strand). Cytogenetic location: 12p13.1.
Variant type: single nucleotide variant.
Coding change: c.1126-3C>T on transcript NM_000834.5 (MANE Select); 3 bases into the intron before coding-DNA position 1126, C replaced by T.
Molecular consequence: intron variant.
Genome position (GRCh38, 1-based): chr12:13,616,660, G>A on the plus strand (C>T on the coding strand, the complement: GRIN2B is on the minus strand). VCF-style: chr12-13616660-G-A. GRCh37 (hg19) VCF-style: chr12-13769594-G-A.
Identifiers: ClinVar variation 451976 (VCV000451976.4), dbSNP rs1555112424, ClinGen allele CA658658123.